The following is an entry in ClinVar:

ClinVar aggregate classification (germline): Uncertain significance (0 of 4 stars; one submission).

Conditions:
DIP2A-related disorder. Also called: DIP2A-related condition.

gnomAD v4.1: 6 of 1,544,170 alleles (0.00039%); highest among the groups gnomAD compares: African/African-American, 0.0041%; no homozygotes.

Submission:

PreventionGenetics, part of Exact Sciences
Classification: Uncertain significance for DIP2A-related condition. Last evaluated: 2024-04-03. Review status: no assertion criteria provided. Collection method: clinical testing. Allele origin: germline.
Comment: The DIP2A c.1804C>T variant is predicted to result in the amino acid substitution p.Arg602Trp. This variant has been reported in an individual with a neurodevelopmental disorder, although no additional information was provided to support pathogenicity (Supplementary Table 11, Stessman et al. 2017. PubMed ID: 28191889). This variant is reported in 0.0059% of alleles in individuals of African descent in gnomAD. At this time, the clinical significance of this variant is uncertain due to the absence of conclusive functional and genetic evidence.

NM_015151.4(DIP2A):c.1804C>T (p.Arg602Trp)

Gene: DIP2A (disco interacting protein 2 homolog A; plus strand). Cytogenetic location: 21q22.3.
Variant type: single nucleotide variant.
Coding change: c.1804C>T on transcript NM_015151.4 (MANE Select); coding-DNA position 1804, C replaced by T.
Protein change: p.Arg602Trp; replaces arginine 602 with tryptophan.
Molecular consequence: missense variant.
Genome position (GRCh38, 1-based): chr21:46,538,485, C>T. VCF-style: chr21-46538485-C-T. GRCh37 (hg19) VCF-style: chr21-47958398-C-T.
Other names: c.1675C>T, p.Arg559Trp (NM_001146115.2); c.1792C>T, p.Arg598Trp (NM_001146116.2); c.1807C>T, p.Arg603Trp (NM_001353942.2); c.1804C>T, p.Arg602Trp (NM_001353943.2, NM_001410751.1, NM_206889.3 and 2 more transcripts); c.1555C>T, p.Arg519Trp (NM_001353944.2); short protein forms R519W, R559W, R598W, R602W, R603W.
Identifiers: ClinVar variation 3353263 (VCV003353263.1).
Genomic context (GRCh38, chr21:46,538,485, plus strand): 5'-CGTGTGAGGGTGCCAGTCCTTGTGACGCAGGGATGTCTGTGCCATCCTCTCTCTGCAGCT[C>T]GGGCCGCGCTGGTGAAGTCGCGAGACATGCACTGGTCTCTCCTAGCTCAGCGGGGCCAGA-3'
Protein context (NP_055966.2, residues 592-612): WIQKVCFYKA[Arg602Trp]AALVKSRDMH